The following is an entry in ClinVar:

ClinVar aggregate classification (germline): Uncertain significance (1 of 4 stars; one submission).

Allele frequency attached by ClinVar (database versions not stated): gnomAD exomes below 0.00001; ExAC 0.00001; gnomAD 0.00001.
gnomAD v4.1: 7 of 1,612,938 alleles (0.00043%); highest among the groups gnomAD compares: East Asian, 0.0089%; no homozygotes.

Submission:

Athena Diagnostics
Classification: Uncertain significance. Last evaluated: 2023-02-17. Review status: criteria provided, single submitter. Criteria: Athena Diagnostics Criteria. Collection method: clinical testing. Allele origin: unknown.
Comment: Available data are insufficient to determine the clinical significance of the variant at this time. The frequency of this variant in the general population is uninformative in assessment of its pathogenicity. Computational tools predict that this variant is not damaging.

NM_001278064.2(GRM1):c.3202C>T (p.Pro1068Ser)

Gene: GRM1 (glutamate metabotropic receptor 1; plus strand). Cytogenetic location: 6q24.3.
Variant type: single nucleotide variant.
Coding change: c.3202C>T on transcript NM_001278064.2 (MANE Select); coding-DNA position 3202, C replaced by T.
Protein change: p.Pro1068Ser; replaces proline 1068 with serine.
Molecular consequence: missense variant. On other transcripts: 3 prime UTR variant (3).
Genome position (GRCh38, 1-based): chr6:146,434,413, C>T. VCF-style: chr6-146434413-C-T. GRCh37 (hg19) VCF-style: chr6-146755549-C-T.
Other names: c.*566C>T (NM_001278065.2); c.*531C>T (NM_001278066.1); c.*440C>T (NM_001278067.1); short protein forms P1068S.
Identifiers: ClinVar variation 2684216 (VCV002684216.1), dbSNP rs761830769, ClinGen allele CA4037645.